The following is an entry in ClinVar:

ClinVar aggregate classification (germline): Uncertain significance (1 of 4 stars; one submission).

Conditions:
FG syndrome (FGS). Identifiers: MedGen C0220769, MONDO:0002010.

gnomAD v4.1: 19 of 1,208,106 alleles (0.0016%); highest among the groups gnomAD compares: East Asian, 0.003%; no homozygotes.

Submission:

Labcorp Genetics (formerly Invitae), Labcorp
Classification: Uncertain significance for FG syndrome. Last evaluated: 2025-06-12. Review status: criteria provided, single submitter. Criteria: Invitae Variant Classification Sherloc (09022015). Collection method: clinical testing. Allele origin: germline.
Comment: This sequence change falls in intron 30 of the MED12 gene. It does not directly change the encoded amino acid sequence of the MED12 protein. It affects a nucleotide within the consensus splice site. This variant is present in population databases (no rsID available, gnomAD 0.001%). This variant has not been reported in the literature in individuals affected with MED12-related conditions. ClinVar contains an entry for this variant (Variation ID: 3709732). Variants that disrupt the consensus splice site are a relatively common cause of aberrant splicing (PMID: 17576681, 9536098). Algorithms developed to predict the effect of sequence changes on RNA splicing suggest that this variant is not likely to affect RNA splicing. In summary, the available evidence is currently insufficient to determine the role of this variant in disease. Therefore, it has been classified as a Variant of Uncertain Significance.

Literature cited by the submitters: PubMed 17576681; PubMed 9536098.

NM_005120.3(MED12):c.4253+3C>T

Gene: MED12 (mediator complex subunit 12; plus strand). Cytogenetic location: Xq13.1.
Variant type: single nucleotide variant.
Coding change: c.4253+3C>T on transcript NM_005120.3 (MANE Select); 3 bases into the intron after coding-DNA position 4253, C replaced by T.
Molecular consequence: intron variant.
Genome position (GRCh38, 1-based): chrX:71,132,209, C>T. VCF-style: chrX-71132209-C-T. GRCh37 (hg19) VCF-style: chrX-70352059-C-T.
Identifiers: ClinVar variation 3709732 (VCV003709732.2).